The following is an entry in ClinVar:

ClinVar aggregate classification (germline): Uncertain significance. Review status: criteria provided, multiple submitters, no conflicts (2 of 4 stars). 2 submissions from 2 submitters: Uncertain significance (2). Last evaluated 2023-12-26.

Conditions:
Inborn genetic diseases. Identifiers: MedGen C0950123, MeSH D030342.

Allele frequency attached by ClinVar (database versions not stated): TOPMed 0.00018; gnomAD exomes 0.00001 and 0.00002; ExAC 0.00002; gnomAD 0.00007.

Submissions (2):

Ambry Genetics
Classification: Uncertain significance for Inborn genetic diseases. Last evaluated: 2023-12-26. Review status: criteria provided, single submitter. Criteria: Ambry Variant Classification Scheme 2023. Collection method: clinical testing. Allele origin: germline.

Labcorp Genetics (formerly Invitae), Labcorp
Classification: Uncertain significance. Last evaluated: 2022-02-04. Review status: criteria provided, single submitter. Criteria: Invitae Variant Classification Sherloc (09022015). Collection method: clinical testing. Allele origin: germline.
Comment: This sequence change replaces threonine, which is neutral and polar, with methionine, which is neutral and non-polar, at codon 118 of the VARS2 protein (p.Thr118Met). This variant is present in population databases (rs768882295, gnomAD 0.003%). This variant has not been reported in the literature in individuals affected with VARS2-related conditions. Algorithms developed to predict the effect of missense changes on protein structure and function are either unavailable or do not agree on the potential impact of this missense change (SIFT: "Deleterious"; PolyPhen-2: "Probably Damaging"; Align-GVGD: "Class C15"). In summary, the available evidence is currently insufficient to determine the role of this variant in disease. Therefore, it has been classified as a Variant of Uncertain Significance.

NM_020442.6(VARS2):c.263C>T (p.Thr88Met)

Gene: VARS2 (valyl-tRNA synthetase 2, mitochondrial; plus strand). Cytogenetic location: 6p21.33.
Variant type: single nucleotide variant.
Coding change: c.263C>T on transcript NM_020442.6 (MANE Select); coding-DNA position 263, C replaced by T.
Protein change: p.Thr88Met; replaces threonine 88 with methionine.
Molecular consequence: missense variant. On other transcripts: 5 prime UTR variant (1).
Genome position (GRCh38, 1-based): chr6:30,915,217, C>T. VCF-style: chr6-30915217-C-T. GRCh37 (hg19) VCF-style: chr6-30882994-C-T.
Other names: c.-158C>T (NM_001167733.3); c.353C>T, p.Thr118Met (NM_001167734.2); c.353C>T (NM_001167734.1); short protein forms T118M, T88M.
Identifiers: ClinVar variation 1403682 (VCV001403682.6), dbSNP rs768882295, ClinGen allele CA3705534.